The following is an entry in ClinVar:

ClinVar aggregate classification (germline): Uncertain significance (1 of 4 stars; one submission).

Conditions:
Inborn genetic diseases. Identifiers: MedGen C0950123, MeSH D030342.

Submission:

Ambry Genetics
Classification: Uncertain significance for Inborn genetic diseases. Last evaluated: 2026-05-19. Review status: criteria provided, single submitter. Criteria: Ambry Variant Classification Scheme 2023. Collection method: clinical testing. Allele origin: germline.
Comment: The p.V544L variant (also known as c.1630G>C), located in coding exon 16 of the DDX41 gene, results from a G to C substitution at nucleotide position 1630. The valine at codon 544 is replaced by leucine, an amino acid with highly similar properties. This amino acid position is highly conserved in available vertebrate species. In addition, this alteration is predicted to be deleterious by in silico analysis. Based on the available evidence, the clinical significance of this variant remains unclear.

NM_016222.4(DDX41):c.1630G>C (p.Val544Leu)

Gene: DDX41 (DEAD-box helicase 41; minus strand). Cytogenetic location: 5q35.3.
Variant type: single nucleotide variant.
Coding change: c.1630G>C on transcript NM_016222.4 (MANE Select); coding-DNA position 1630, G replaced by C.
Protein change: p.Val544Leu; replaces valine 544 with leucine.
Molecular consequence: missense variant.
Genome position (GRCh38, 1-based): chr5:177,512,198, C>G on the plus strand (G>C on the coding strand, the complement: DDX41 is on the minus strand). VCF-style: chr5-177512198-C-G. GRCh37 (hg19) VCF-style: chr5-176939199-C-G.
Other names: c.1252G>C, p.Val418Leu (NM_001321732.2, NM_001321830.2); short protein forms V418L, V544L.
Identifiers: ClinVar variation 4869608 (VCV004869608.1).
Genomic context (GRCh38, chr5:177,512,198, plus strand): 5'-GCAGCACGGGCGGCACCTTCTGCTTGGCTTCTAGCAGCAGCGCTTTGAGGTCCATCAGCA[C>G]TGACTCATCTGGGGGAGGAGTGGGGAAGCATCAGGGCCCATCCTGGGCTCTGTGGCCAGA-3'
Protein context (NP_057306.2, residues 534-554): TFINKACDES[Val544Leu]LMDLKALLLE